The following is an entry in ClinVar:

NM_000238.4(KCNH2):c.2987A>T (p.Asn996Ile)

Gene: KCNH2 (potassium voltage-gated channel subfamily H member 2; minus strand). Cytogenetic location: 7q36.1.
Variant type: single nucleotide variant.
Coding change: c.2987A>T on transcript NM_000238.4 (MANE Select); coding-DNA position 2987, A replaced by T.
Protein change: p.Asn996Ile; replaces asparagine 996 with isoleucine.
Molecular consequence: missense variant. On other transcripts: non-coding transcript variant (2).
Genome position (GRCh38, 1-based): chr7:150,947,493, T>A on the plus strand (A>T on the coding strand, the complement: KCNH2 is on the minus strand). VCF-style: chr7-150947493-T-A. GRCh37 (hg19) VCF-style: chr7-150644581-T-A.
Other names: p.N996I:AAC>ATC; c.2987A>T (LRG_288t1); c.2699A>T, p.Asn900Ile (NM_001406753.1); c.1967A>T, p.Asn656Ile (NM_172057.3); short protein forms N656I, N996I, N900I.
Identifiers: ClinVar variation 67458 (VCV000067458.8), dbSNP rs199473018, ClinGen allele CA007728.

ClinVar aggregate classification (germline): Pathogenic/Likely pathogenic. Review status: criteria provided, multiple submitters, no conflicts (2 of 4 stars). 5 submissions from 5 submitters: Pathogenic (2); Likely pathogenic (2). 1 of the submissions does not count toward it. Last evaluated 2025-08-18.

Conditions:
Familial long QT syndrome (RWS). Also called: Romano-Ward syndrome; VENTRICULAR FIBRILLATION WITH PROLONGED QT INTERVAL; Congenital long QT syndrome. Identifiers: Orphanet 768, MedGen C1141890, MONDO:0019171.
Long QT syndrome (LQTS). Identifiers: MedGen C0023976, MeSH D008133, MONDO:0002442. Disease mechanism: loss of function. Inheritance: Various modes of inheritance.
Long QT syndrome 2 (LQT2). Identifiers: Orphanet 101016, Orphanet 768, MedGen C3150943, MONDO:0013367, OMIM 613688.

Submissions (5):

Labcorp Genetics (formerly Invitae), Labcorp
Classification: Pathogenic for Long QT syndrome. Last evaluated: 2025-08-18. Review status: criteria provided, single submitter. Criteria: Invitae Variant Classification Sherloc (09022015). Collection method: clinical testing. Allele origin: germline.
Comment: This sequence change replaces asparagine, which is neutral and polar, with isoleucine, which is neutral and non-polar, at codon 996 of the KCNH2 protein (p.Asn996Ile). This variant is not present in population databases (gnomAD no frequency). This missense change has been observed in individuals with long QT syndrome (PMID: 17088455, 22949429; internal data). ClinVar contains an entry for this variant (Variation ID: 67458). An algorithm developed to predict the effect of missense changes on protein structure and function (PolyPhen-2) suggests that this variant is likely to be disruptive. Experimental studies have shown that this missense change affects KCNH2 function (PMID: 24213244, 33176122). Algorithms developed to predict the effect of sequence changes on RNA splicing suggest that this variant may create or strengthen a splice site. For these reasons, this variant has been classified as Pathogenic.

Greenwood Genetic Center Diagnostic Laboratories, Greenwood Genetic Center
Classification: Likely pathogenic for Long QT syndrome 2. Last evaluated: 2023-02-20. Review status: criteria provided, single submitter. Criteria: ACMG Guidelines, 2015. Collection method: clinical testing. Allele origin: germline.
Comment: PS3, PS4_Supporting, PM2, PP2, PP3

GeneDx
Classification: Likely pathogenic. Last evaluated: 2021-12-13. Review status: criteria provided, single submitter. Criteria: GeneDx Variant Classification Process June 2021. Collection method: clinical testing. Allele origin: germline. Affected: yes.
Comment: Not observed at significant frequency in large population cohorts (Lek et al., 2016); Published functional studies suggest the variant reduces channel current, prolongs action potentials, and decreases trafficking of channels to the cell's surface (Bellin M et al., 2013); In silico analysis supports that this missense variant has a deleterious effect on protein structure/function; This variant is associated with the following publications: (PMID: 15851119, 15840476, 19841300, 22581653, 31737537, 22949429, 24213244)

MVZ Martinsried, Medicover Genetics
Classification: Pathogenic for Long QT syndrome 2. Last evaluated: 2020-02-24. Review status: criteria provided, single submitter. Criteria: ACMG Guidelines, 2015. Collection method: clinical testing. Allele origin: unknown. Affected: yes.

Cardiovascular Biomedical Research Unit, Royal Brompton & Harefield NHS Foundation Trust
No classification provided. Condition: Familial long QT syndrome. Review status: no classification provided. Collection method: literature only. Allele origin: germline. Not counted in ClinVar's aggregate classification.
Comment: This variant has been reported as associated with Long QT syndrome in the following publications (PMID:15840476;PMID:15851119;PMID:19841300). This is a literature report, and does not necessarily reflect the clinical interpretation of the Imperial College / Royal Brompton Cardiovascular Genetics laboratory.

Literature cited by the submitters: PubMed 17088455 (cited by Labcorp Genetics (formerly Invitae), Labcorp); PubMed 22949429 (cited by Labcorp Genetics (formerly Invitae), Labcorp); PubMed 24213244 (cited by Labcorp Genetics (formerly Invitae), Labcorp); PubMed 33176122 (cited by Labcorp Genetics (formerly Invitae), Labcorp); PubMed 15840476 (cited by Cardiovascular Biomedical Research Unit, Royal Brompton & Harefield NHS Foundation Trust); PubMed 15851119 (cited by Cardiovascular Biomedical Research Unit, Royal Brompton & Harefield NHS Foundation Trust); PubMed 19841300 (cited by Cardiovascular Biomedical Research Unit, Royal Brompton & Harefield NHS Foundation Trust); PubMed 22581653 (cited by Cardiovascular Biomedical Research Unit, Royal Brompton & Harefield NHS Foundation Trust).